The following is an entry in ClinVar:

ClinVar aggregate classification (germline): Pathogenic (1 of 4 stars; one submission).

Conditions:
Primary hyperoxaluria, type I (HP1). Also called: OXALOSIS I; Primary hyperoxaluria type 1; GLYCOLIC ACIDURIA; HEPATIC AGT DEFICIENCY. Identifiers: Orphanet 416, Orphanet 93598, MedGen C0268164, MONDO:0009823, OMIM 259900. Disease mechanism: loss of function.

Submission:

Rare Kidney Stone Consortium and the Mayo Clinic Hyperoxaluria Center, Mayo Clinic
Classification: Pathogenic for Primary hyperoxaluria, type I. Last evaluated: 2023-10-27. Review status: criteria provided, single submitter. Criteria: ACMG Guidelines, 2015. Collection method: clinical testing. Allele origin: germline. Affected: yes.
Comment: ACMG:PVS1 PM2 PM3 PP4

Literature cited by the submitters: PubMed 34805638; PubMed 35661454.

NM_000030.3(AGXT):c.766del (p.Gln256fs)

Gene: AGXT (alanine--glyoxylate aminotransferase; plus strand). Cytogenetic location: 2q37.3.
Variant type: Deletion.
Coding change: c.766del on transcript NM_000030.3 (MANE Select); coding-DNA position 766, one base deleted (C; older notation c.766delC).
Protein change: p.Gln256fs; shifts the reading frame from glutamine 256.
Molecular consequence: frameshift variant.
Genome position (GRCh38, 1-based): chr2:240,875,194, C deleted; the last of 2 consecutive C bases (chr2:240,875,193-240,875,194); deleting either gives the same sequence. VCF-style (leftmost placement, unchanged base first): chr2-240875192-AC-A. GRCh37 (hg19) VCF-style: chr2-241814609-AC-A.
Other names: short protein forms Q256fs.
Identifiers: ClinVar variation 2664130 (VCV002664130.1), dbSNP rs2528756250, ClinGen allele CA2586971641.
Genomic context (GRCh38, chr2:240,875,192, plus strand): 5'-CGAAGCCCTTCTCCTTCTACCTGGACATCAAGTGGCTGGCCAACTTCTGGGGCTGTGACG[AC>A]CAGCCCAGGATGTGAGGCCTGGCAGGGATGGGAAGGTGGAGGGCGCTGGGCATGGCTGAG-3'